The following is an entry in ClinVar:

NM_199420.4(POLQ):c.610G>A (p.Glu204Lys)

Gene: POLQ (DNA polymerase theta; minus strand). Cytogenetic location: 3q13.33.
Variant type: single nucleotide variant.
Coding change: c.610G>A on transcript NM_199420.4 (MANE Select); coding-DNA position 610, G replaced by A.
Protein change: p.Glu204Lys; replaces glutamic acid 204 with lysine.
Molecular consequence: missense variant.
Genome position (GRCh38, 1-based): chr3:121,539,454, C>T on the plus strand (G>A on the coding strand, the complement: POLQ is on the minus strand). VCF-style: chr3-121539454-C-T. GRCh37 (hg19) VCF-style: chr3-121258301-C-T.
Other names: short protein forms E204K.
Identifiers: ClinVar variation 2497166 (VCV002497166.2), dbSNP rs1459626443, ClinGen allele CA354091023.

ClinVar aggregate classification (germline): Uncertain significance (1 of 4 stars; one submission).

Submission:

Ambry Genetics
Classification: Uncertain significance. Last evaluated: 2022-11-20. Review status: criteria provided, single submitter. Criteria: Ambry Variant Classification Scheme 2023. Collection method: clinical testing. Allele origin: germline.
Comment: The p.E204K variant (also known as c.610G>A), located in coding exon 4 of the POLQ gene, results from a G to A substitution at nucleotide position 610. The glutamic acid at codon 204 is replaced by lysine, an amino acid with similar properties. This amino acid position is conserved. In addition, this alteration is predicted to be tolerated by in silico analysis. Since supporting evidence is limited at this time, the clinical significance of this alteration remains unclear.